The following is an entry in ClinVar:

NM_001114753.3(ENG):c.1267A>C (p.Asn423His)

Genes: ENG (endoglin; minus strand), LOC102723566 (uncharacterized LOC102723566; plus strand). Cytogenetic location: 9q34.11.
Variant type: single nucleotide variant.
Coding change: c.1267A>C on transcript NM_001114753.3 (MANE Select); coding-DNA position 1267, A replaced by C.
Protein change: p.Asn423His; replaces asparagine 423 with histidine.
Molecular consequence: missense variant.
Genome position (GRCh38, 1-based): chr9:127,819,905, T>G on the plus strand (A>C on the coding strand, the complement: ENG is on the minus strand). VCF-style: chr9-127819905-T-G. GRCh37 (hg19) VCF-style: chr9-130582184-T-G.
Other names: c.1267A>C, p.Asn423His (NM_000118.4); c.721A>C, p.Asn241His (NM_001278138.2); short protein forms N241H, N423H.
Identifiers: ClinVar variation 3638147 (VCV003638147.2).
Genomic context (GRCh38, chr9:127,819,905, plus strand): 5'-CCTGAGGGGGCACCAACCAGGCTGGTCCTGATACCTTTTTGGCCCCAGCTCTTACCTCAT[T>G]GCTGATCATACTTGCTGACACCTGCATGCCACAGCTGGAGTAAGCACTGCGCAAGACAAA-3'
Protein context (NP_001108225.1, residues 413-433): GMQVSASMIS[Asn423His]EAVVNILSSS

ClinVar aggregate classification (germline): Likely pathogenic (1 of 4 stars; one submission).

Conditions:
Hereditary hemorrhagic telangiectasia (HHT). Also called: ORW DISEASE; Osler Weber Rendu syndrome; OSLER-RENDU-WEBER DISEASE; Osler hemorrhagic telangiectasia syndrome. Identifiers: Orphanet 774, MedGen C0039445, MONDO:0019180. Disease mechanism: loss of function.

Submission:

Labcorp Genetics (formerly Invitae), Labcorp
Classification: Likely pathogenic for Hereditary hemorrhagic telangiectasia. Last evaluated: 2024-02-01. Review status: criteria provided, single submitter. Criteria: Invitae Variant Classification Sherloc (09022015). Collection method: clinical testing. Allele origin: germline.
Comment: This sequence change replaces asparagine, which is neutral and polar, with histidine, which is basic and polar, at codon 423 of the ENG protein (p.Asn423His). This variant is not present in population databases (gnomAD no frequency). This missense change has been observed in individual(s) with clinical features of hereditary hemorrhagic telangiectasia (Invitae). Advanced modeling of protein sequence and biophysical properties (such as structural, functional, and spatial information, amino acid conservation, physicochemical variation, residue mobility, and thermodynamic stability) performed at Invitae indicates that this missense variant is expected to disrupt ENG protein function with a positive predictive value of 95%. This variant disrupts the p.Asn423 amino acid residue in ENG. Other variant(s) that disrupt this residue have been determined to be pathogenic (PMID: 32573726, 34872578). This suggests that this residue is clinically significant, and that variants that disrupt this residue are likely to be disease-causing. In summary, the currently available evidence indicates that the variant is pathogenic, but additional data are needed to prove that conclusively. Therefore, this variant has been classified as Likely Pathogenic.

Literature cited by the submitters: PubMed 32573726; PubMed 34872578.